The following is an entry in ClinVar:

NM_001618.4(PARP1):c.120+96GGGCCC[3]

Genes: PARP1 (poly(ADP-ribose) polymerase 1; minus strand), LOC129932650 (ATAC-STARR-seq lymphoblastoid silent region 1883; plus strand). Cytogenetic location: 1q42.12.
Variant type: Microsatellite.
Coding change: c.120+96GGGCCC[3] on transcript NM_001618.4 (MANE Select); three copies in a row of the 6-base unit GGGCCC starting at c.120+96; the reference has two copies in a row; one copy, 6 bases duplicated.
Molecular consequence: intron variant.
Genome position (GRCh38, 1-based): chr1:226,407,703-226,407,708, GGGCCC duplicated on the plus strand (GGGCCC on the coding strand, the reverse complement: PARP1 is on the minus strand); duplicating any 6 consecutive bases within chr1:226,407,703-226,407,715 gives the same sequence; the position shown is the placement nearest the transcript's 3' end. VCF-style (leftmost placement, unchanged base first): chr1-226407702-A-AGGGCCC. GRCh37 (hg19) VCF-style: chr1-226595403-A-AGGGCCC.
Identifiers: ClinVar variation 1239654 (VCV001239654.3), dbSNP rs144361550, ClinGen allele CA38609302.
Genomic context (GRCh38, chr1:226,407,702, plus strand): 5'-CGGCCGGGCCGCTCGGGAGGAGGGGCGGCCGCGGCCCCATAGGCCCCAAGTGCCGCTCCG[A>AGGGCCC]GGGCCCGGGCCCGCTCGCTCCCTGGGCCCGCCCTCCCCCAGCCTTCCCGGACACAGTTAA-3'

ClinVar aggregate classification (germline): Benign (1 of 4 stars; one submission).

Submission:

GeneDx
Classification: Benign. Last evaluated: 2019-08-23. Review status: criteria provided, single submitter. Criteria: GeneDx Variant Classification Process June 2021. Collection method: clinical testing. Allele origin: germline. Affected: yes.
Comment: This variant is associated with the following publications: (PMID: 28759004)